The following is an entry in ClinVar:

ClinVar aggregate classification (germline): Benign (1 of 4 stars; one submission).

Conditions:
MELAS syndrome (MELAS). Also called: Juvenile myopathy, encephalopathy, lactic acidosis, stroke. Identifiers: Orphanet 550, MedGen C0162671, MONDO:0010789, OMIM 540000.

Submission:

Wong Mito Lab, Molecular and Human Genetics, Baylor College of Medicine
Classification: Benign for MELAS syndrome. Last evaluated: 2019-07-12. Review status: criteria provided, single submitter. Criteria: Modified ACMG Guidelines (Unpublished). Collection method: clinical testing. Allele origin: germline.
Comment: The NC_012920.1:m.7533C>T variant in MT-TD gene is interpreted to be a Benign variant based on the modified ACMG guidelines (unpublished). This variant meets the following evidence codes reported in the guidelines: BS1, BS2, BP4

Literature cited by the submitters: PubMed 31965079.

NC_012920.1(MT-TD):m.7533C>T

Gene: MT-TD (mitochondrially encoded tRNA aspartic acid; plus strand).
Variant type: single nucleotide variant.
Genome position: chrM-7533-C-T.
Identifiers: ClinVar variation 690039 (VCV000690039.1), dbSNP rs1603221000, ClinGen allele CA913177322.
Genomic context (GRCh38, chrMT:7,533, plus strand): 5'-AAGCTGGTTTCAAGCCAACCCCATGGCCTCCATGACTTTTTCAAAAAGGTATTAGAAAAA[C>T]CATTTCATAACTTTGTCAAAGTTAAATTATAGGCTAAATCCTATATATCTTAATGGCACA-3'